The following is an entry in ClinVar:

ClinVar aggregate classification (germline): Uncertain significance. Review status: criteria provided, multiple submitters, no conflicts (2 of 4 stars). 2 submissions from 2 submitters: Uncertain significance (2). Last evaluated 2025-12-22.

Conditions:
Tuberous sclerosis syndrome (TSC). Also called: Tuberous Sclerosis Complex; Tuberous sclerosis. Identifiers: Orphanet 805, MedGen C0041341, MONDO:0001734.
Tuberous sclerosis 2 (TSC2). Identifiers: Orphanet 805, MedGen C1860707, MONDO:0013199, OMIM 613254.

Submissions (2):

Labcorp Genetics (formerly Invitae), Labcorp
Classification: Uncertain significance for Tuberous sclerosis 2. Last evaluated: 2025-12-22. Review status: criteria provided, single submitter. Criteria: Invitae Variant Classification Sherloc (09022015). Collection method: clinical testing. Allele origin: germline.
Comment: This sequence change affects codon 339 of the TSC2 mRNA. It is a 'silent' change, meaning that it does not change the encoded amino acid sequence of the TSC2 protein. This variant is not present in population databases (gnomAD no frequency). This variant has not been reported in the literature in individuals affected with TSC2-related conditions. ClinVar contains an entry for this variant (Variation ID: 3386159). Algorithms developed to predict the effect of sequence changes on RNA splicing suggest that this variant may create or strengthen a splice site. In summary, the available evidence is currently insufficient to determine the role of this variant in disease. Therefore, it has been classified as a Variant of Uncertain Significance.

All of Us Research Program, National Institutes of Health
Classification: Uncertain significance for Tuberous sclerosis syndrome. Last evaluated: 2024-04-25. Review status: criteria provided, single submitter. Criteria: ACMG Guidelines, 2015. Collection method: clinical testing. Allele origin: germline. Inheritance: Autosomal dominant inheritance. Observed: 1 variant allele, 1 heterozygote.
Comment: This variant is located in the TSC2 protein. To our knowledge, functional studies have not been reported for this variant. This variant has not been reported in individuals affected with TSC2-related disorders in the literature. This variant has not been identified in the general population by the Genome Aggregation Database (gnomAD). The available evidence is insufficient to determine the role of this variant in disease conclusively. Therefore, this variant is classified as a Variant of Uncertain Significance.

This study involves interpretation of variants in research participants for the purpose of population health screening. Participant phenotype was not available at the time of variant classification. Additional details can be found in publication PMID: 35346344, PMCID: PMC8962531

NM_000548.5(TSC2):c.1017C>T (p.Val339=)

Gene: TSC2 (TSC complex subunit 2; plus strand). Cytogenetic location: 16p13.3.
Variant type: single nucleotide variant.
Coding change: c.1017C>T on transcript NM_000548.5 (MANE Select); coding-DNA position 1017, C replaced by T.
Protein change: p.Val339=; no amino-acid change (valine 339 retained).
Molecular consequence: synonymous variant. On other transcripts: non-coding transcript variant (5), 5 prime UTR variant (10).
Genome position (GRCh38, 1-based): chr16:2,060,711, C>T. VCF-style: chr16-2060711-C-T. GRCh37 (hg19) VCF-style: chr16-2110712-C-T.
Other names: c.1017C>T, p.Val339= (NM_001077183.3, NM_001114382.3, NM_001363528.2 and 6 more transcripts); c.906C>T, p.Val302= (NM_001318827.2, NM_001406670.1, NM_001406678.1); c.870C>T, p.Val290= (NM_001318829.2, NM_001406675.1, NM_001406676.1 and 1 more transcripts); c.417C>T, p.Val139= (NM_001318831.2, NM_001406680.1, NM_001406682.1 and 6 more transcripts); c.1050C>T, p.Val350= (NM_001318832.2); c.1107C>T, p.Val369= (NM_001406667.1, NM_001406668.1); c.1005C>T, p.Val335= (NM_001406671.1, NM_001406673.1); c.960C>T, p.Val320= (NM_001406677.1); and 4 more.
Identifiers: ClinVar variation 3386159 (VCV003386159.2).